The following is an entry in ClinVar:

ClinVar aggregate classification (germline): Benign/Likely benign. Review status: criteria provided, multiple submitters, no conflicts (2 of 4 stars). 3 submissions from 3 submitters: Benign (1); Likely benign (2). Last evaluated 2024-09-09.

Conditions:
Hereditary cancer-predisposing syndrome. Also called: Hereditary neoplastic syndrome; Neoplastic Syndromes, Hereditary; Tumor predisposition; Hereditary Cancer Syndrome. Identifiers: Orphanet 140162, MedGen C0027672, MeSH D009386, MONDO:0015356.
Fanconi anemia complementation group J. Also called: BRIP1-Related Fanconi Anemia. Identifiers: Orphanet 84, MedGen C1836860, MONDO:0012187, OMIM 609054.
Familial cancer of breast. Also called: BREAST CANCER, FAMILIAL; Hereditary breast cancer; hereditary breast carcinoma. Identifiers: Orphanet 227535, MedGen C0346153, MONDO:0016419, OMIM 114480. Disease mechanism: loss of function.

Allele frequency attached by ClinVar (database versions not stated): gnomAD 0.00001.
gnomAD v4.1: 1 of 1,614,020 alleles (0.000062%); highest among the groups gnomAD compares: African/African-American, 0.0013%; no homozygotes.

Submissions (3):

Myriad Genetics, Inc.
Classification: Benign for Familial cancer of breast. Last evaluated: 2024-09-09. Review status: criteria provided, single submitter. Criteria: Myriad Autosomal Dominant, Autosomal Recessive and X-Linked Classification Criteria (2023). Collection method: clinical testing. Allele origin: unknown.
Comment: This variant is considered benign. This variant is a silent/synonymous amino acid change and it is not expected to impact splicing.

Labcorp Genetics (formerly Invitae), Labcorp
Classification: Likely benign for Familial cancer of breast; Fanconi anemia complementation group J. Last evaluated: 2023-02-20. Review status: criteria provided, single submitter. Criteria: Invitae Variant Classification Sherloc (09022015). Collection method: clinical testing. Allele origin: germline.

Ambry Genetics
Classification: Likely benign for Hereditary cancer-predisposing syndrome. Last evaluated: 2017-08-17. Review status: criteria provided, single submitter. Criteria: Ambry Variant Classification Scheme 2023. Collection method: clinical testing. Allele origin: germline.

NM_032043.3(BRIP1):c.3045A>G (p.Lys1015=)

Gene: BRIP1 (BRCA1 interacting DNA helicase 1; minus strand). Cytogenetic location: 17q23.2.
Variant type: single nucleotide variant.
Coding change: c.3045A>G on transcript NM_032043.3 (MANE Select); coding-DNA position 3045, A replaced by G.
Protein change: p.Lys1015=; no amino-acid change (lysine 1015 retained).
Molecular consequence: synonymous variant.
Genome position (GRCh38, 1-based): chr17:61,684,001, T>C on the plus strand (A>G on the coding strand, the complement: BRIP1 is on the minus strand). VCF-style: chr17-61684001-T-C. GRCh37 (hg19) VCF-style: chr17-59761362-T-C.
Identifiers: ClinVar variation 485468 (VCV000485468.9), dbSNP rs1555572892, ClinGen allele CA501335499.